The following is an entry in ClinVar:

ClinVar aggregate classification (germline): Uncertain significance. Review status: criteria provided, multiple submitters, no conflicts (2 of 4 stars). 2 submissions from 2 submitters: Uncertain significance (2). Last evaluated 2025-04-20.

Conditions:
Inborn genetic diseases. Identifiers: MedGen C0950123, MeSH D030342.
Nephronophthisis 15 (NPHP15). Identifiers: Orphanet 3156, MedGen C3541853, MONDO:0013917, OMIM 614845.

Allele frequency attached by ClinVar (database versions not stated): TOPMed below 0.00001; gnomAD 0.00001.
gnomAD v4.1: 5 of 1,613,754 alleles (0.00031%); highest among the groups gnomAD compares: African/African-American, 0.0013%; no homozygotes.

Submissions (2):

Ambry Genetics
Classification: Uncertain significance for Inborn genetic diseases. Last evaluated: 2025-04-20. Review status: criteria provided, single submitter. Criteria: Ambry Variant Classification Scheme 2023. Collection method: clinical testing. Allele origin: germline.

Labcorp Genetics (formerly Invitae), Labcorp
Classification: Uncertain significance for Nephronophthisis 15. Last evaluated: 2021-02-23. Review status: criteria provided, single submitter. Criteria: Invitae Variant Classification Sherloc (09022015). Collection method: clinical testing. Allele origin: germline.
Comment: Algorithms developed to predict the effect of missense changes on protein structure and function are either unavailable or do not agree on the potential impact of this missense change (SIFT: "Deleterious"; PolyPhen-2: "Probably Damaging"; Align-GVGD: "Class C0"). This sequence change replaces glutamic acid with lysine at codon 831 of the CEP164 protein (p.Glu831Lys). The glutamic acid residue is highly conserved and there is a small physicochemical difference between glutamic acid and lysine. This variant is not present in population databases (ExAC no frequency). This variant has not been reported in the literature in individuals with CEP164-related conditions. In summary, the available evidence is currently insufficient to determine the role of this variant in disease. Therefore, it has been classified as a Variant of Uncertain Significance.

NM_014956.5(CEP164):c.2491G>A (p.Glu831Lys)

Gene: CEP164 (centrosomal protein 164; plus strand). Cytogenetic location: 11q23.3.
Variant type: single nucleotide variant.
Coding change: c.2491G>A on transcript NM_014956.5 (MANE Select); coding-DNA position 2491, G replaced by A.
Protein change: p.Glu831Lys; replaces glutamic acid 831 with lysine.
Molecular consequence: missense variant.
Genome position (GRCh38, 1-based): chr11:117,392,625, G>A. VCF-style: chr11-117392625-G-A. GRCh37 (hg19) VCF-style: chr11-117263341-G-A.
Other names: c.2500G>A, p.Glu834Lys (NM_001271933.2); c.2491G>A (NM_014956.4); short protein forms E834K, E831K.
Identifiers: ClinVar variation 1433394 (VCV001433394.9), dbSNP rs977065085, ClinGen allele CA229358830.